The following is an entry in ClinVar:

ClinVar aggregate classification (germline): Uncertain significance (1 of 4 stars; one submission).

Conditions:
Epilepsy, childhood absence, susceptibility to, 5. Identifiers: Orphanet 64280, MedGen C2677087, MONDO:0012843, OMIM 612269.
Epilepsy, childhood absence, susceptibility to, 1. Also called: Epilepsy, childhood absence 1. Identifiers: Orphanet 64280, MedGen C1838604, MONDO:0020759, OMIM 600131.

Submission:

Labcorp Genetics (formerly Invitae), Labcorp
Classification: Uncertain significance for Epilepsy, childhood absence, susceptibility to, 5; Epilepsy, childhood absence, susceptibility to, 1. Last evaluated: 2016-09-11. Review status: criteria provided, single submitter. Criteria: Invitae Variant Classification Sherloc (09022015). Collection method: clinical testing. Allele origin: germline.
Comment: A gross deletion of the genomic region encompassing the full coding sequence of the GABRB3 gene has been identified. The boundaries of this event are unknown as the deletion extends beyond the assayed region for this gene and therefore may encompass additional genes. A gross deletion of the genomic region encompassing the GABRB3 gene has been previously described in individuals affected with Angelman syndrome (PMID: 11198279). In each of these cases, however, the deletion event also spanned the entire coding sequence of the UBE3A gene. To date, all previously described pathogenic mutations in the GABRB3 gene has been missense mutations or in-frame codon gains. The impact of a whole gene loss is uncertain. Therefore, it has been classified as a Variant of Uncertain Significance.

NC_000015.10:g.(?_26543546)_(26773076_?)del

Genes: GABRB3 (gamma-aminobutyric acid type A receptor subunit beta3; minus strand), LOC126862078 (BRD4-independent group 4 enhancer GRCh37_chr15:26860170-26861369; plus strand), LOC126862077 (CDK7 strongly-dependent group 2 enhancer GRCh37_chr15:26791415-26792614; plus strand). Cytogenetic location: 15q12.
Variant type: Deletion.
Identifiers: ClinVar variation 238187 (VCV000238187.1).